The following is an entry in ClinVar:

NM_004385.5(VCAN):c.307G>A (p.Val103Met)

Gene: VCAN (versican; plus strand). Cytogenetic location: 5q14.2.
Variant type: single nucleotide variant.
Coding change: c.307G>A on transcript NM_004385.5 (MANE Select); coding-DNA position 307, G replaced by A.
Protein change: p.Val103Met; replaces valine 103 with methionine.
Molecular consequence: missense variant.
Genome position (GRCh38, 1-based): chr5:83,490,334, G>A. VCF-style: chr5-83490334-G-A. GRCh37 (hg19) VCF-style: chr5-82786153-G-A.
Other names: c.307G>A, p.Val103Met (NM_001126336.3, NM_001164097.2, NM_001164098.2); short protein forms V103M.
Identifiers: ClinVar variation 5000896 (VCV005000896.1).

ClinVar aggregate classification (germline): Uncertain significance (1 of 4 stars; one submission).

Conditions:
VCAN-related disorder. Also called: VCAN-related condition.

Submission:

PreventionGenetics, part of Exact Sciences
Classification: Uncertain significance for VCAN-related condition. Last evaluated: 2025-02-21. Review status: criteria provided, single submitter. Criteria: ACMG Guidelines, 2015. Collection method: clinical testing. Allele origin: germline.
Comment: The VCAN c.307G>A variant is predicted to result in the amino acid substitution p.Val103Met. To our knowledge, this variant has not been reported in the literature or in a large population database (gnomAD), indicating this variant is rare. At this time, the clinical significance of this variant is uncertain due to the absence of conclusive functional and genetic evidence.